The following is an entry in ClinVar:

ClinVar aggregate classification (germline): Uncertain significance (1 of 4 stars; one submission).

Conditions:
Inborn genetic diseases. Identifiers: MedGen C0950123, MeSH D030342.

gnomAD v4.1: 1 of 1,612,682 alleles (0.000062%); highest among the groups gnomAD compares: Non-Finnish European, 0.000085%; no homozygotes.

Submission:

Ambry Genetics
Classification: Uncertain significance for Inborn genetic diseases. Last evaluated: 2025-08-02. Review status: criteria provided, single submitter. Criteria: Ambry Variant Classification Scheme 2023. Collection method: clinical testing. Allele origin: germline.
Comment: The p.K565N variant (also known as c.1695G>T), located in coding exon 11 of the ERCC6L2 gene, results from a G to T substitution at nucleotide position 1695. The lysine at codon 565 is replaced by asparagine, an amino acid with similar properties. This amino acid position is conserved. In addition, this alteration is predicted to be tolerated by in silico analysis. Based on the available evidence, the clinical significance of this variant remains unclear.

NM_020207.7(ERCC6L2):c.1695G>T (p.Lys565Asn)

Gene: ERCC6L2 (ERCC excision repair 6 like 2; plus strand). Cytogenetic location: 9q22.32.
Variant type: single nucleotide variant.
Coding change: c.1695G>T on transcript NM_020207.7 (MANE Select); coding-DNA position 1695, G replaced by T.
Protein change: p.Lys565Asn; replaces lysine 565 with asparagine.
Molecular consequence: missense variant. On other transcripts: non-coding transcript variant (1).
Genome position (GRCh38, 1-based): chr9:95,928,808, G>T. VCF-style: chr9-95928808-G-T. GRCh37 (hg19) VCF-style: chr9-98691090-G-T.
Other names: c.1695G>T, p.Lys565Asn (NM_001010895.4, NM_001375291.1, NM_001375292.1 and 2 more transcripts); short protein forms K565N.
Identifiers: ClinVar variation 4250609 (VCV004250609.1).